The following is an entry in ClinVar:

NM_147127.5(EVC2):c.530C>T (p.Ser177Leu)

Gene: EVC2 (EvC ciliary complex subunit 2; minus strand). Cytogenetic location: 4p16.2.
Variant type: single nucleotide variant.
Coding change: c.530C>T on transcript NM_147127.5 (MANE Select); coding-DNA position 530, C replaced by T.
Protein change: p.Ser177Leu; replaces serine 177 with leucine.
Molecular consequence: missense variant.
Genome position (GRCh38, 1-based): chr4:5,689,333, G>A on the plus strand (C>T on the coding strand, the complement: EVC2 is on the minus strand). VCF-style: chr4-5689333-G-A. GRCh37 (hg19) VCF-style: chr4-5691060-G-A.
Other names: c.290C>T, p.Ser97Leu (NM_001166136.2); short protein forms S177L, S97L.
Identifiers: ClinVar variation 289224 (VCV000289224.10), dbSNP rs145758016, ClinGen allele CA2835410.

ClinVar aggregate classification (germline): Conflicting classifications of pathogenicity. Review status: criteria provided, conflicting classifications (1 of 4 stars). 5 submissions from 5 submitters: Uncertain significance (4); Likely benign (1). Last evaluated 2024-10-21.

Conditions:
Curry-Hall syndrome (WAD). Also called: WEYERS ACRODENTAL DYSOSTOSIS. Identifiers: Orphanet 952, MedGen C0457013, MONDO:0008673, OMIM 193530.
Ellis-van Creveld syndrome (EVC). Also called: Chondroectodermal dysplasia; MESOECTODERMAL DYSPLASIA; EVC-Related Ellis-van Creveld Syndrome; EVC2-Related Ellis-van Creveld Syndrome. Identifiers: Orphanet 289, MedGen C0013903, MONDO:0009162, OMIM 225500.

Allele frequency attached by ClinVar (database versions not stated): gnomAD exomes 0.00004 and 0.00003; TOPMed 0.00006; gnomAD 0.00008 and 0.00009; 1000 Genomes Project 30x 0.00016; 1000 Genomes Project 0.00020; ExAC 0.00002.
gnomAD v4.1: 62 of 1,614,050 alleles (0.0038%); highest among the groups gnomAD compares: Middle Eastern, 0.05%; no homozygotes.

Submissions (5):

Labcorp Genetics (formerly Invitae), Labcorp
Classification: Uncertain significance for Curry-Hall syndrome; Ellis-van Creveld syndrome. Last evaluated: 2024-10-21. Review status: criteria provided, single submitter. Criteria: Invitae Variant Classification Sherloc (09022015). Collection method: clinical testing. Allele origin: germline.
Comment: This sequence change replaces serine, which is neutral and polar, with leucine, which is neutral and non-polar, at codon 177 of the EVC2 protein (p.Ser177Leu). This variant is present in population databases (rs145758016, gnomAD 0.02%). This variant has not been reported in the literature in individuals affected with EVC2-related conditions. ClinVar contains an entry for this variant (Variation ID: 289224). An algorithm developed to predict the effect of missense changes on protein structure and function (PolyPhen-2) suggests that this variant¬¨‚Ä†is likely to be tolerated. In summary, the available evidence is currently insufficient to determine the role of this variant in disease. Therefore, it has been classified as a Variant of Uncertain Significance.

3billion
Classification: Likely benign for Ellis-van Creveld syndrome. Last evaluated: 2024-09-20. Review status: criteria provided, single submitter. Criteria: ACMG Guidelines, 2015. Collection method: clinical testing. Allele origin: germline. Affected: no.
Comment: The homozygous variant was found in patients diagnosed with another variant in a different gene, with no symptoms related to the gene containing the homozygous variant.

Fulgent Genetics
Classification: Uncertain significance for Curry-Hall syndrome; Ellis-van Creveld syndrome. Last evaluated: 2021-10-08. Review status: criteria provided, single submitter. Criteria: ACMG Guidelines, 2015. Collection method: clinical testing. Allele origin: unknown.

Eurofins Ntd Llc (ga)
Classification: Uncertain significance. Last evaluated: 2016-07-08. Review status: criteria provided, single submitter. Criteria: EGL Classification Definitions 2015. Collection method: clinical testing. Allele origin: germline. Observed: 1 variant allele, 1 heterozygote.

Breakthrough Genomics
Classification: Uncertain significance. Review status: criteria provided, single submitter. Criteria: ACMG Guidelines, 2015. Collection method: not provided. Allele origin: germline. Inheritance: Autosomal recessive inheritance. Affected: yes.